The following is an entry in ClinVar:

ClinVar aggregate classification (germline): Uncertain significance (1 of 4 stars; one submission).

Submission:

Labcorp Genetics (formerly Invitae), Labcorp
Classification: Uncertain significance. Last evaluated: 2020-03-06. Review status: criteria provided, single submitter. Criteria: Invitae Variant Classification Sherloc (09022015). Collection method: clinical testing. Allele origin: germline.
Comment: In summary, the available evidence is currently insufficient to determine the role of this variant in disease. Therefore, it has been classified as a Variant of Uncertain Significance. Algorithms developed to predict the effect of missense changes on protein structure and function are either unavailable or do not agree on the potential impact of this missense change (SIFT: "Deleterious"; PolyPhen-2: "Probably Damaging"; Align-GVGD: "Class C0"). This variant has not been reported in the literature in individuals with CTF1-related conditions. The frequency data for this variant in the population databases is considered unreliable, as metrics indicate insufficient coverage at this position in the ExAC database. This sequence change replaces aspartic acid with histidine at codon 191 of the CTF1 protein (p.Asp191His). The aspartic acid residue is highly conserved and there is a moderate physicochemical difference between aspartic acid and histidine.

NM_001330.5(CTF1):c.571G>C (p.Asp191His)

Genes: CTF1 (cardiotrophin 1; plus strand), LOC130058878 (ATAC-STARR-seq lymphoblastoid silent region 7400; plus strand). Cytogenetic location: 16p11.2.
Variant type: single nucleotide variant.
Coding change: c.571G>C on transcript NM_001330.5 (MANE Select); coding-DNA position 571, G replaced by C.
Protein change: p.Asp191His; replaces aspartic acid 191 with histidine.
Molecular consequence: missense variant. On other transcripts: non-coding transcript variant (1).
Genome position (GRCh38, 1-based): chr16:30,902,504, G>C. VCF-style: chr16-30902504-G-C. GRCh37 (hg19) VCF-style: chr16-30913825-G-C.
Other names: c.568G>C, p.Asp190His (NM_001142544.3); short protein forms D190H, D191H.
Identifiers: ClinVar variation 1001686 (VCV001001686.9), dbSNP rs2055413651, ClinGen allele CA395619787.